The following is an entry in ClinVar:

ClinVar aggregate classification (germline): Uncertain significance (1 of 4 stars; one submission).

Conditions:
Inborn genetic diseases. Identifiers: MedGen C0950123, MeSH D030342.

gnomAD v4.1: 1 of 1,614,190 alleles (0.000062%); highest among the groups gnomAD compares: Non-Finnish European, 0.000085%; no homozygotes.

Submission:

Ambry Genetics
Classification: Uncertain significance for Inborn genetic diseases. Last evaluated: 2025-06-19. Review status: criteria provided, single submitter. Criteria: Ambry Variant Classification Scheme 2023. Collection method: clinical testing. Allele origin: germline.
Comment: The p.E511D variant (also known as c.1533G>T), located in coding exon 14 of the DDX41 gene, results from a G to T substitution at nucleotide position 1533. The glutamic acid at codon 511 is replaced by aspartic acid, an amino acid with highly similar properties. This amino acid position is highly conserved in available vertebrate species. In addition, the in silico prediction for this alteration is inconclusive. Based on the available evidence, the clinical significance of this variant remains unclear.

NM_016222.4(DDX41):c.1533G>T (p.Glu511Asp)

Gene: DDX41 (DEAD-box helicase 41; minus strand). Cytogenetic location: 5q35.3.
Variant type: single nucleotide variant.
Coding change: c.1533G>T on transcript NM_016222.4 (MANE Select); coding-DNA position 1533, G replaced by T.
Protein change: p.Glu511Asp; replaces glutamic acid 511 with aspartic acid.
Molecular consequence: missense variant.
Genome position (GRCh38, 1-based): chr5:177,512,512, C>A on the plus strand (G>T on the coding strand, the complement: DDX41 is on the minus strand). VCF-style: chr5-177512512-C-A. GRCh37 (hg19) VCF-style: chr5-176939513-C-A.
Other names: c.1155G>T, p.Glu385Asp (NM_001321732.2, NM_001321830.2); short protein forms E511D, E385D.
Identifiers: ClinVar variation 4238731 (VCV004238731.1).
Genomic context (GRCh38, chr5:177,512,512, plus strand): 5'-CCCTTTTCCGGCCTAACCCATGCCCTTGGGCCCCAGGCTCTTACCATAGTTCTCAATCTC[C>A]TCTGGCATGTCATAATTGATGACGTGCTGGATGGCAGGGAAGTCCAGGCCCTTGGAGGCA-3'
Protein context (NP_057306.2, residues 501-521): IQHVINYDMP[Glu511Asp]EIENYVHRIG